The following is an entry in ClinVar:

NM_004944.4(DNASE1L3):c.729C>G (p.Ile243Met)

Gene: DNASE1L3 (deoxyribonuclease 1L3; minus strand). Cytogenetic location: 3p14.3.
Variant type: single nucleotide variant.
Coding change: c.729C>G on transcript NM_004944.4 (MANE Select); coding-DNA position 729, C replaced by G.
Protein change: p.Ile243Met; replaces isoleucine 243 with methionine.
Molecular consequence: missense variant.
Genome position (GRCh38, 1-based): chr3:58,193,415, G>C on the plus strand (C>G on the coding strand, the complement: DNASE1L3 is on the minus strand). VCF-style: chr3-58193415-G-C. GRCh37 (hg19) VCF-style: chr3-58179142-G-C.
Other names: c.639C>G, p.Ile213Met (NM_001256560.2); short protein forms I213M, I243M.
Identifiers: ClinVar variation 1518065 (VCV001518065.5), dbSNP rs76440799, ClinGen allele CA2469868.
Genomic context (GRCh38, chr3:58,193,415, plus strand): 5'-CAGCTTGTAAGCTTTCTGGAAGTCAAAAACACTGTTTGACTTGGGAACAACAGAACTGAC[G>C]ATTTCTTGTCCTCTAAGCACAATCCTGGAACAAGGGGAGGGAAAACAGTTGTGTTAATCC-3'
Protein context (NP_004935.1, residues 233-253): YDRIVLRGQE[Ile243Met]VSSVVPKSNS

ClinVar aggregate classification (germline): Uncertain significance. Review status: criteria provided, multiple submitters, no conflicts (2 of 4 stars). 2 submissions from 2 submitters: Uncertain significance (2). Last evaluated 2024-04-05.

Conditions:
Autosomal systemic lupus erythematosus type 16. Also called: Systemic lupus erythematosus 16. Identifiers: Orphanet 300345, MedGen C3280742, MONDO:0013743, OMIM 614420.

Allele frequency attached by ClinVar (database versions not stated): ESP Exome Variant Server 0.00015; 1000 Genomes Project 30x 0.00016; 1000 Genomes Project 0.00020.
gnomAD v4.1: 635 of 1,613,824 alleles (0.039%); highest among the groups gnomAD compares: Non-Finnish European, 0.051%; no homozygotes.

Submissions (2):

Fulgent Genetics
Classification: Uncertain significance for Autosomal systemic lupus erythematosus type 16. Last evaluated: 2024-04-05. Review status: criteria provided, single submitter. Criteria: ACMG Guidelines, 2015. Collection method: clinical testing. Allele origin: germline.

Labcorp Genetics (formerly Invitae), Labcorp
Classification: Uncertain significance. Last evaluated: 2022-07-19. Review status: criteria provided, single submitter. Criteria: Invitae Variant Classification Sherloc (09022015). Collection method: clinical testing. Allele origin: germline.
Comment: This sequence change replaces isoleucine, which is neutral and non-polar, with methionine, which is neutral and non-polar, at codon 243 of the DNASE1L3 protein (p.Ile243Met). This variant is present in population databases (rs76440799, gnomAD 0.03%). This variant has not been reported in the literature in individuals affected with DNASE1L3-related conditions. ClinVar contains an entry for this variant (Variation ID: 1518065). Algorithms developed to predict the effect of missense changes on protein structure and function are either unavailable or do not agree on the potential impact of this missense change (SIFT: "Deleterious"; PolyPhen-2: "Benign"; Align-GVGD: "Class C0"). Experimental studies have shown that this missense change does not substantially affect DNASE1L3 function (PMID: 21692081, 24206041). Algorithms developed to predict the effect of sequence changes on RNA splicing suggest that this variant may create or strengthen a splice site. In summary, the available evidence is currently insufficient to determine the role of this variant in disease. Therefore, it has been classified as a Variant of Uncertain Significance.

Literature cited by the submitters: PubMed 21692081 (cited by Labcorp Genetics (formerly Invitae), Labcorp); PubMed 24206041 (cited by Labcorp Genetics (formerly Invitae), Labcorp).